The following is an entry in ClinVar:

ClinVar aggregate classification (germline): Uncertain significance (1 of 4 stars; one submission).

Submission:

GeneDx
Classification: Uncertain significance. Last evaluated: 2011-07-31. Review status: criteria provided, single submitter. Criteria: GeneDx Variant Classification (06012015). Collection method: clinical testing. Allele origin: germline. Affected: yes.
Comment: This variant is denoted Ala429Glu (aka A429E) at the protein level and c.1286 C>A at the cDNA level. The Ala429Glu variant in the MYBPC3 gene has not been reported previously as a disease causing mutation nor as a benign polymorphism, to our knowledge. Ala429Glu results in a non conservative amino acid substitution of a non polar Alanine with a negatively charged Glutamic acid at a residue that is conserved across species. In addition, the Ala429Glu variant was not detected in up to 600 alleles from control individuals of Caucasian and African American ancestry, indicating it is not a common benign variant in these populations. However, data from ethnically matched controls is not available, therefore we cannot evaluate if Ala429Glu may be a population specific benign variant. In summary, with the clinical and molecular information available at this time, we cannot equivocally determine whether the Ala429Glu variant is a disease causing mutation or a rare benign variant. The variant is found in HCM panel(s).

NM_000256.3(MYBPC3):c.1286C>A (p.Ala429Glu)

Gene: MYBPC3 (myosin binding protein C3; minus strand). Cytogenetic location: 11p11.2.
Variant type: single nucleotide variant.
Coding change: c.1286C>A on transcript NM_000256.3 (MANE Select); coding-DNA position 1286, C replaced by A.
Protein change: p.Ala429Glu; replaces alanine 429 with glutamic acid.
Molecular consequence: missense variant.
Genome position (GRCh38, 1-based): chr11:47,343,086, G>T on the plus strand (C>A on the coding strand, the complement: MYBPC3 is on the minus strand). VCF-style: chr11-47343086-G-T. GRCh37 (hg19) VCF-style: chr11-47364637-G-T.
Other names: p.A429E:GCG>GAG; c.1286C>A, p.Ala429Glu (LRG_386t1); short protein forms A429E.
Identifiers: ClinVar variation 181118 (VCV000181118.2), dbSNP rs370412052, ClinGen allele CA010012.